The following is an entry in ClinVar:

ClinVar aggregate classification (germline): Uncertain significance (1 of 4 stars; one submission).

Allele frequency attached by ClinVar (database versions not stated): gnomAD 0.00001; gnomAD exomes 0.00002; ExAC 0.00003; 1000 Genomes Project 0.00020; 1000 Genomes Project 30x 0.00016.

Submission:

Labcorp Genetics (formerly Invitae), Labcorp
Classification: Uncertain significance. Last evaluated: 2025-12-23. Review status: criteria provided, single submitter. Criteria: Invitae Variant Classification Sherloc (09022015). Collection method: clinical testing. Allele origin: germline.
Comment: This sequence change replaces valine, which is neutral and non-polar, with methionine, which is neutral and non-polar, at codon 409 of the TCF3 protein (p.Val409Met). This variant is present in population databases (rs537446058, gnomAD 0.01%). This variant has not been reported in the literature in individuals affected with TCF3-related conditions. ClinVar contains an entry for this variant (Variation ID: 2868885). Invitae Evidence Modeling of protein sequence and biophysical properties (such as structural, functional, and spatial information, amino acid conservation, physicochemical variation, residue mobility, and thermodynamic stability) indicates that this missense variant is expected to disrupt TCF3 protein function with a positive predictive value of 80%. In summary, the available evidence is currently insufficient to determine the role of this variant in disease. Therefore, it has been classified as a Variant of Uncertain Significance.

NM_003200.5(TCF3):c.1225G>A (p.Val409Met)

Gene: TCF3 (transcription factor 3; minus strand). Cytogenetic location: 19p13.3.
Variant type: single nucleotide variant.
Coding change: c.1225G>A on transcript NM_003200.5 (MANE Select); coding-DNA position 1225, G replaced by A.
Protein change: p.Val409Met; replaces valine 409 with methionine.
Molecular consequence: missense variant.
Genome position (GRCh38, 1-based): chr19:1,619,417, C>T on the plus strand (G>A on the coding strand, the complement: TCF3 is on the minus strand). VCF-style: chr19-1619417-C-T. GRCh37 (hg19) VCF-style: chr19-1619416-C-T.
Other names: c.1225G>A, p.Val409Met (NM_001136139.4, NM_001351779.2); c.1222G>A, p.Val408Met (NM_001351778.2); short protein forms V409M, V408M.
Identifiers: ClinVar variation 2868885 (VCV002868885.3), dbSNP rs537446058, ClinGen allele CA9049971.